The following is an entry in ClinVar:

ClinVar aggregate classification (germline): Conflicting classifications of pathogenicity. Review status: criteria provided, conflicting classifications (1 of 4 stars). 3 submissions from 3 submitters: Uncertain significance (1); Likely benign (2). Last evaluated 2025-12-20.

Conditions:
ANO6-related disorder. Also called: ANO6-related condition.

Allele frequency attached by ClinVar (database versions not stated): gnomAD exomes 0.00008; ExAC 0.00022; 1000 Genomes Project 0.00080; gnomAD 0.00083; 1000 Genomes Project 30x 0.00094; TOPMed 0.00099; ESP Exome Variant Server 0.00115.
gnomAD v4.1: 251 of 1,613,698 alleles (0.016%); highest among the groups gnomAD compares: African/African-American, 0.27%; no homozygotes.

Submissions (3):

Labcorp Genetics (formerly Invitae), Labcorp
Classification: Likely benign. Last evaluated: 2025-12-20. Review status: criteria provided, single submitter. Criteria: Invitae Variant Classification Sherloc (09022015). Collection method: clinical testing. Allele origin: germline.

PreventionGenetics, part of Exact Sciences
Classification: Likely benign for ANO6-related condition. Last evaluated: 2025-03-25. Review status: criteria provided, single submitter. Criteria: ACMG Guidelines, 2015. Collection method: clinical testing. Allele origin: germline.
Comment: This variant is classified as likely benign based on ACMG/AMP sequence variant interpretation guidelines (Richards et al. 2015 PMID: 25741868, with internal and published modifications).

GeneDx
Classification: Uncertain significance. Last evaluated: 2023-01-10. Review status: criteria provided, single submitter. Criteria: GeneDx Variant Classification Process June 2021. Collection method: clinical testing. Allele origin: germline. Affected: yes.
Comment: In silico analysis supports that this missense variant has a deleterious effect on protein structure/function; Has not been previously published as pathogenic or benign to our knowledge

NM_001025356.3(ANO6):c.2572G>A (p.Asp858Asn)

Gene: ANO6 (anoctamin 6; plus strand). Cytogenetic location: 12q12.
Variant type: single nucleotide variant.
Coding change: c.2572G>A on transcript NM_001025356.3 (MANE Select); coding-DNA position 2572, G replaced by A.
Protein change: p.Asp858Asn; replaces aspartic acid 858 with asparagine.
Molecular consequence: missense variant. On other transcripts: intron variant (1).
Genome position (GRCh38, 1-based): chr12:45,429,150, G>A. VCF-style: chr12-45429150-G-A. GRCh37 (hg19) VCF-style: chr12-45822933-G-A.
Other names: c.2572G>A (NM_001025356.2); c.2518G>A, p.Asp840Asn (NM_001142678.2); c.2635G>A, p.Asp879Asn (NM_001204803.2); c.2539G>A, p.Asp847Asn (NM_001410973.1); c.2526+6088G>A (NM_001142679.2); short protein forms D847N, D858N, D840N, D879N.
Identifiers: ClinVar variation 2166115 (VCV002166115.6), dbSNP rs140463382, ClinGen allele CA6525663.